The following is an entry in ClinVar:

NM_001370259.2(MEN1):c.327A>G (p.Glu109=)

Gene: MEN1 (menin 1; minus strand). Cytogenetic location: 11q13.1.
Variant type: single nucleotide variant.
Coding change: c.327A>G on transcript NM_001370259.2 (MANE Select); coding-DNA position 327, A replaced by G.
Protein change: p.Glu109=; no amino-acid change (glutamic acid 109 retained).
Molecular consequence: synonymous variant. On other transcripts: non-coding transcript variant (4).
Genome position (GRCh38, 1-based): chr11:64,809,783, T>C on the plus strand (A>G on the coding strand, the complement: MEN1 is on the minus strand). VCF-style: chr11-64809783-T-C. GRCh37 (hg19) VCF-style: chr11-64577255-T-C.
Other names: c.327A>G, p.Glu109= (NM_001407149.1, NM_001407150.1, NM_001407151.1 and 20 more transcripts).
Identifiers: ClinVar variation 3773209 (VCV003773209.9).

ClinVar aggregate classification (germline): Benign/Likely benign. Review status: criteria provided, multiple submitters, no conflicts (2 of 4 stars). 2 submissions from 2 submitters: Benign (1); Likely benign (1). Last evaluated 2025-08-01.

Conditions:
Multiple endocrine neoplasia, type 1 (MEN1). Also called: MEN I; WERMER SYNDROME; Endocrine adenomatosis multiple; MEN 1; MEA I. Identifiers: Orphanet 652, MedGen C0025267, MeSH D018761, MONDO:0007540, OMIM 131100.

Submissions (2):

CeGaT Center for Human Genetics Tuebingen
Classification: Likely benign. Last evaluated: 2025-08-01. Review status: criteria provided, single submitter. Criteria: CeGaT Center For Human Genetics Tuebingen Variant Classification Criteria Version 2. Collection method: clinical testing. Allele origin: germline. Affected: yes. Observed: 1 variant allele.
Comment: MEN1: PM2:Supporting, BP4, BP7

Myriad Genetics, Inc.
Classification: Benign for Multiple endocrine neoplasia, type 1. Last evaluated: 2024-10-31. Review status: criteria provided, single submitter. Criteria: Myriad Autosomal Dominant, Autosomal Recessive and X-Linked Classification Criteria (2023). Collection method: clinical testing. Allele origin: unknown.
Comment: This variant is considered benign. This variant is a silent/synonymous amino acid change and it is not expected to impact splicing.